The following is an entry in ClinVar:

ClinVar aggregate classification (germline): Likely benign. Review status: criteria provided, multiple submitters, no conflicts (2 of 4 stars). 4 submissions from 4 submitters: Likely benign (2). 2 of the submissions do not count toward it. Last evaluated 2026-01-19.

Conditions:
ADA-related disorder. Also called: ADA-related condition.
Severe combined immunodeficiency, autosomal recessive, T cell-negative, B cell-negative, NK cell-negative, due to adenosine deaminase deficiency. Also called: SCID DUE TO ADA DEFICIENCY; SCID DUE TO ADA DEFICIENCY, EARLY-ONSET; ADA-SCID; ADA deficiency; Adenosine deaminase deficient severe combined immunodeficiency; Severe combined immunodeficiency due to ADA deficiency. Identifiers: Orphanet 277, MedGen C0392607, MONDO:0007064, OMIM 102700.

Allele frequency attached by ClinVar (database versions not stated): ESP Exome Variant Server 0.00023; 1000 Genomes Project 30x 0.00031; 1000 Genomes Project 0.00040; gnomAD 0.00041; TOPMed 0.00043.
gnomAD v4.1: 248 of 1,614,176 alleles (0.015%); highest among the groups gnomAD compares: African/African-American, 0.12%; no homozygotes.

Submissions (4):

Labcorp Genetics (formerly Invitae), Labcorp
Classification: Likely benign for Severe combined immunodeficiency, autosomal recessive, T cell-negative, B cell-negative, NK cell-negative, due to adenosine deaminase deficiency. Last evaluated: 2026-01-19. Review status: criteria provided, single submitter. Criteria: Invitae Variant Classification Sherloc (09022015). Collection method: clinical testing. Allele origin: germline.

Blueprint Genetics
Classification: Likely benign. Last evaluated: 2024-10-23. Review status: criteria provided, single submitter. Criteria: ACMG Guidelines, 2015. Collection method: clinical testing. Allele origin: germline.

Natera, Inc.
Classification: Likely benign for Severe combined immunodeficiency due to ADA deficiency. Last evaluated: 2020-04-29. Review status: no assertion criteria provided. Collection method: clinical testing. Allele origin: germline. Not counted in ClinVar's aggregate classification.

PreventionGenetics, part of Exact Sciences
Classification: Likely benign for ADA-related condition. Last evaluated: 2020-03-25. Review status: no assertion criteria provided. Collection method: clinical testing. Allele origin: germline. Not counted in ClinVar's aggregate classification.
Comment: This variant is classified as likely benign based on ACMG/AMP sequence variant interpretation guidelines (Richards et al. 2015 PMID: 25741868, with internal and published modifications).

NM_000022.4(ADA):c.660G>A (p.Ser220=)

Gene: ADA (adenosine deaminase; minus strand). Cytogenetic location: 20q13.12.
Variant type: single nucleotide variant.
Coding change: c.660G>A on transcript NM_000022.4 (MANE Select); coding-DNA position 660, G replaced by A.
Protein change: p.Ser220=; no amino-acid change (serine 220 retained).
Molecular consequence: synonymous variant. On other transcripts: non-coding transcript variant (1), intron variant (1).
Genome position (GRCh38, 1-based): chr20:44,623,025, C>T on the plus strand (G>A on the coding strand, the complement: ADA is on the minus strand). VCF-style: chr20-44623025-C-T. GRCh37 (hg19) VCF-style: chr20-43251666-C-T.
Other names: c.660G>A (NM_000022.3); c.255G>A, p.Ser85= (NM_001322050.2); c.607-95G>A (NM_001322051.2).
Identifiers: ClinVar variation 703693 (VCV000703693.16), dbSNP rs147038410, ClinGen allele CA9871572.